The following is an entry in ClinVar:

NM_016437.3(TUBG2):c.176A>T (p.His59Leu)

Gene: TUBG2 (tubulin gamma 2; plus strand). Cytogenetic location: 17q21.2.
Variant type: single nucleotide variant.
Coding change: c.176A>T on transcript NM_016437.3 (MANE Select); coding-DNA position 176, A replaced by T.
Protein change: p.His59Leu; replaces histidine 59 with leucine.
Molecular consequence: missense variant.
Genome position (GRCh38, 1-based): chr17:42,660,162, A>T. VCF-style: chr17-42660162-A-T. GRCh37 (hg19) VCF-style: chr17-40812180-A-T.
Other names: c.176A>T, p.His59Leu (NM_001320509.2); short protein forms H59L.
Identifiers: ClinVar variation 4718561 (VCV004718561.1).

ClinVar aggregate classification (germline): Uncertain significance (1 of 4 stars; one submission).

Submission:

Labcorp Genetics (formerly Invitae), Labcorp
Classification: Uncertain significance. Last evaluated: 2025-04-28. Review status: criteria provided, single submitter. Criteria: Invitae Variant Classification Sherloc (09022015). Collection method: clinical testing. Allele origin: germline.
Comment: This sequence change replaces histidine, which is basic and polar, with leucine, which is neutral and non-polar, at codon 59 of the TUBG2 protein (p.His59Leu). This variant is not present in population databases (gnomAD no frequency). This variant has not been reported in the literature in individuals affected with TUBG2-related conditions. Experimental studies and prediction algorithms are not available or were not evaluated, and the functional significance of this variant is currently unknown. In summary, the available evidence is currently insufficient to determine the role of this variant in disease. Therefore, it has been classified as a Variant of Uncertain Significance.